The following is an entry in ClinVar:

ClinVar aggregate classification (germline): Uncertain significance. Review status: criteria provided, multiple submitters, no conflicts (2 of 4 stars). 3 submissions from 3 submitters: Uncertain significance (3). Last evaluated 2025-04-02.

Conditions:
Pseudohypoaldosteronism type 2C (PHA2C). Also called: Pseudohypoaldosteronism Type IIC. Identifiers: Orphanet 757, Orphanet 88940, MedGen C1840391, MONDO:0013778, OMIM 614492.
Neuropathy, hereditary sensory and autonomic, type 2A (HSAN2A). Also called: ACROOSTEOLYSIS, GIACCAI TYPE; ACROOSTEOLYSIS, NEUROGENIC; HSAN IIA; WNK1-Related HSAN2 (HSAN2A); MORVAN DISEASE; NEUROPATHY, CONGENITAL SENSORY. Identifiers: Orphanet 970, MedGen C2752089, MONDO:0024309, OMIM 201300.

Allele frequency attached by ClinVar (database versions not stated): ExAC 0.00003; gnomAD exomes 0.00004; TOPMed 0.00006; gnomAD 0.00007 and 0.00008.
gnomAD v4.1: 61 of 1,614,134 alleles (0.0038%); highest among the groups gnomAD compares: Middle Eastern, 0.033%; no homozygotes.

Submissions (3):

ARUP Laboratories, Molecular Genetics and Genomics, ARUP Laboratories
Classification: Uncertain significance. Last evaluated: 2025-04-02. Review status: criteria provided, single submitter. Criteria: ARUP Molecular Germline Variant Investigation Process 2024. Collection method: clinical testing. Allele origin: germline.
Comment: The WNK1 c.4714C>T; p.Arg1572Cys variant (rs759875909), to our knowledge, is not reported in the medical literature but is reported in ClinVar (Variation ID: 654885). Another amino acid substitution at this codon, p.Arg1572His, has been reported in individuals affected with developmental disorders (Kaplanis 2020, Turner 2019). The p.Arg1572Cys variant is found in the general population with an overall allele frequency of 0.005% (14/282,850 alleles) in the Genome Aggregation Database (v2.1.1). Computational analyses predict that this variant is neutral (REVEL: 0.076). Due to limited information, the clinical significance of the p.Arg1572Cys variant is uncertain at this time. References: Kaplanis J et al. Evidence for 28 genetic disorders discovered by combining healthcare and research data. Nature. 2020 Oct;586(7831):757-762. PMID: 33057194. Turner TN et al. Sex-Based Analysis of De Novo Variants in Neurodevelopmental Disorders. Am J Hum Genet. 2019 Dec 5;105(6):1274-1285. PMID: 31785789.

Labcorp Genetics (formerly Invitae), Labcorp
Classification: Uncertain significance for Neuropathy, hereditary sensory and autonomic, type 2A; Pseudohypoaldosteronism type 2C. Last evaluated: 2024-10-24. Review status: criteria provided, single submitter. Criteria: Invitae Variant Classification Sherloc (09022015). Collection method: clinical testing. Allele origin: germline.
Comment: This sequence change replaces arginine, which is basic and polar, with cysteine, which is neutral and slightly polar, at codon 1564 of the WNK1 protein (p.Arg1564Cys). This variant is present in population databases (rs759875909, gnomAD 0.02%). This variant has not been reported in the literature in individuals affected with WNK1-related conditions. ClinVar contains an entry for this variant (Variation ID: 654885). Invitae Evidence Modeling of protein sequence and biophysical properties (such as structural, functional, and spatial information, amino acid conservation, physicochemical variation, residue mobility, and thermodynamic stability) indicates that this missense variant is not expected to disrupt WNK1 protein function with a negative predictive value of 95%. In summary, the available evidence is currently insufficient to determine the role of this variant in disease. Therefore, it has been classified as a Variant of Uncertain Significance.

Fulgent Genetics
Classification: Uncertain significance for Neuropathy, hereditary sensory and autonomic, type 2A; Pseudohypoaldosteronism type 2C. Last evaluated: 2024-06-14. Review status: criteria provided, single submitter. Criteria: ACMG Guidelines, 2015. Collection method: clinical testing. Allele origin: germline.

NM_018979.4(WNK1):c.3934C>T (p.Arg1312Cys)

Gene: WNK1 (WNK lysine deficient protein kinase 1; plus strand). Cytogenetic location: 12p13.33.
Variant type: single nucleotide variant.
Coding change: c.3934C>T on transcript NM_018979.4 (MANE Select); coding-DNA position 3934, C replaced by T.
Protein change: p.Arg1312Cys; replaces arginine 1312 with cysteine.
Molecular consequence: missense variant.
Genome position (GRCh38, 1-based): chr12:884,738, C>T. VCF-style: chr12-884738-C-T. GRCh37 (hg19) VCF-style: chr12-993904-C-T.
Other names: c.4714C>T, p.Arg1572Cys (NM_001184985.2); c.3193C>T, p.Arg1065Cys (NM_014823.3); c.4690C>T, p.Arg1564Cys (NM_213655.5); short protein forms R1312C, R1564C, R1065C, R1572C.
Identifiers: ClinVar variation 654885 (VCV000654885.10), dbSNP rs759875909, ClinGen allele CA6382897.
Genomic context (GRCh38, chr12:884,738, plus strand): 5'-ATGAACTTGTCTCACTCTGCATCATCCCTTAGTCTACAACAGGCCTTTTCTGAACTTAGA[C>T]GTGCCCAAATGACAGAAGGACCCAACACAGCACCTCCAAACTTTAGTCATACAGGACCAA-3'
Protein context (NP_061852.3, residues 1302-1322): SLQQAFSELR[Arg1312Cys]AQMTEGPNTA